The following is an entry in ClinVar:

NM_025137.4(SPG11):c.6223_6224insGAA (p.Phe2074_Asn2075insArg)

Gene: SPG11 (SPG11 vesicle trafficking associated, spatacsin; minus strand). Cytogenetic location: 15q21.1.
Variant type: Insertion.
Coding change: c.6223_6224insGAA on transcript NM_025137.4 (MANE Select); coding-DNA positions 6223 to 6224, GAA inserted.
Protein change: p.Phe2074_Asn2075insArg.
Molecular consequence: inframe insertion.
Genome position: GRCh38 VCF-style: chr15-44572802-T-TTTC. GRCh37 (hg19) VCF-style: chr15-44865000-T-TTTC.
Other names: c.5884_5885insGAA, p.Phe1961_Asn1962insArg (NM_001160227.2).
Identifiers: ClinVar variation 572161 (VCV000572161.12), dbSNP rs773225085, ClinGen allele CA7534202.

ClinVar aggregate classification (germline): Uncertain significance. Review status: criteria provided, multiple submitters, no conflicts (2 of 4 stars). 8 submissions from 6 submitters: Uncertain significance (8). Last evaluated 2025-01-06.

Conditions:
Hereditary spastic paraplegia 11. Also called: Nakamura Osame syndrome; Spastic Paraplegia 11; SPASTIC PARAPLEGIA, AUTOSOMAL RECESSIVE, COMPLICATED, WITH THIN CORPUS CALLOSUM; SPASTIC PARAPLEGIA, AUTOSOMAL RECESSIVE, WITH MENTAL IMPAIRMENT AND THIN CORPUS CALLOSUM; Autosomal recessive hereditary spastic paraplegia, mental impairment, and thin corpus callosum; Spastic paraplegia, mental retardation and thin corpus callosum. Identifiers: Orphanet 2822, MedGen C1858479, MONDO:0011445, OMIM 604360.
Amyotrophic lateral sclerosis type 5 (ALS5). Also called: AMYOTROPHIC LATERAL SCLEROSIS 5, JUVENILE. Identifiers: Orphanet 300605, MedGen C1865864, MONDO:0011196, OMIM 602099.
Charcot-Marie-Tooth disease axonal type 2X. Also called: CHARCOT-MARIE-TOOTH DISEASE, AXONAL, AUTOSOMAL RECESSIVE, TYPE 2X; CHARCOT-MARIE-TOOTH NEUROPATHY, TYPE 2X. Identifiers: Orphanet 466775, MedGen C5569024, MONDO:0014726, OMIM 616668.

Submissions (8):

Labcorp Genetics (formerly Invitae), Labcorp
Classification: Uncertain significance for Hereditary spastic paraplegia 11. Last evaluated: 2025-01-06. Review status: criteria provided, single submitter. Criteria: Invitae Variant Classification Sherloc (09022015). Collection method: clinical testing. Allele origin: germline.
Comment: This variant, c.6223_6224insGAA, results in the insertion of 1 amino acid(s) of the SPG11 protein (p.Phe2074_Asn2075insArg), but otherwise preserves the integrity of the reading frame. This variant is present in population databases (rs773225085, gnomAD 0.1%). This variant has been observed in individual(s) with clinical features of amyotrophic lateral sclerosis (PMID: 32166880). ClinVar contains an entry for this variant (Variation ID: 572161). Experimental studies and prediction algorithms are not available or were not evaluated, and the functional significance of this variant is currently unknown. In summary, the available evidence is currently insufficient to determine the role of this variant in disease. Therefore, it has been classified as a Variant of Uncertain Significance.

Blueprint Genetics
Classification: Uncertain significance. Last evaluated: 2023-05-24. Review status: criteria provided, single submitter. Criteria: ACMG Guidelines, 2015. Collection method: clinical testing. Allele origin: germline.

Baylor Genetics
Classification: Uncertain significance for Charcot-Marie-Tooth disease axonal type 2X. Last evaluated: 2020-11-20. Review status: criteria provided, single submitter. Criteria: ACMG Guidelines, 2015. Collection method: clinical testing. Allele origin: unknown. Affected: yes.
Comment: This variant was determined to be of uncertain significance according to ACMG Guidelines, 2015 [PMID:25741868].

Genome-Nilou Lab
Classification: Uncertain significance for Amyotrophic lateral sclerosis type 5. Review status: criteria provided, single submitter. Criteria: ACMG Guidelines, 2015. Collection method: clinical testing. Allele origin: germline.

Genome-Nilou Lab
Classification: Uncertain significance for Charcot-Marie-Tooth disease axonal type 2X. Review status: criteria provided, single submitter. Criteria: ACMG Guidelines, 2015. Collection method: clinical testing. Allele origin: germline.

Genome-Nilou Lab
Classification: Uncertain significance for Hereditary spastic paraplegia 11. Review status: criteria provided, single submitter. Criteria: ACMG Guidelines, 2015. Collection method: clinical testing. Allele origin: germline.

Juno Genomics, Hangzhou Juno Genomics, Inc
Classification: Uncertain significance for Amyotrophic lateral sclerosis type 5; Charcot-Marie-Tooth disease axonal type 2X; Hereditary spastic paraplegia 11. Review status: criteria provided, single submitter. Criteria: ACMG Guidelines, 2015. Collection method: clinical testing. Allele origin: germline.
Comment: Absent from controls (or at extremely low frequency if recessive) in Genome Aggregation Database.;Protein length changes due to in-frame deletions/insertions in a non-repeat region or stop-loss variants.

Neuberg Centre For Genomic Medicine, NCGM
Classification: Uncertain significance for Hereditary spastic paraplegia 11. Review status: criteria provided, single submitter. Criteria: ACMG Guidelines, 2015. Collection method: clinical testing. Allele origin: germline. Inheritance: Autosomal recessive inheritance. Affected: yes.
Comment: The inframe insertion variant c.6223_6224insGAA (p.Phe2074_Asn2075insArg) in SPG11 gene has not been reported previously as a pathogenic variant nor as a benign variant, to our knowledge. The p.Phe2074_Asn2075insArg variant has allele frequency 0.008% in gnomAD exomes and novel in 1000 Genomes. This variant has been reported to the ClinVar database as Uncertain Significance. The insertion of amino acid Arg between amino acids Phe at position 2074 and Asn at position 2075 changing protein sequence and it might alter its composition and physico-chemical properties. The observed variant is not in repeat region. For these reasons, this variant has been classified as Uncertain Significance (VUS).

Literature cited by the submitters: PubMed 32166880 (cited by Labcorp Genetics (formerly Invitae), Labcorp).